The following is an entry in ClinVar:

NM_015192.4(PLCB1):c.3589A>G (p.Thr1197Ala)

Gene: PLCB1 (phospholipase C beta 1; plus strand). Cytogenetic location: 20p12.3.
Variant type: single nucleotide variant.
Coding change: c.3589A>G on transcript NM_015192.4 (MANE Select); coding-DNA position 3589, A replaced by G.
Protein change: p.Thr1197Ala; replaces threonine 1197 with alanine.
Molecular consequence: missense variant. On other transcripts: 3 prime UTR variant (1).
Genome position (GRCh38, 1-based): chr20:8,881,787, A>G. VCF-style: chr20-8881787-A-G. GRCh37 (hg19) VCF-style: chr20-8862434-A-G.
Other names: c.*185A>G (NM_182734.3); short protein forms T1197A.
Identifiers: ClinVar variation 854789 (VCV000854789.10), dbSNP rs199568969, ClinGen allele CA408263657.
Genomic context (GRCh38, chr20:8,881,787, plus strand): 5'-AGCAATCACGGTTCTGCCCCTCTCTCCCTGTCCTCAGACCCTGGAAAAGTGAACCACAAG[A>G]CTCCCTCCAGTGAGGAGCTGGGAGGAGACATCCCAGGAAAAGAATTTGATACTCCTCTGT-3'
Protein context (NP_056007.1, residues 1187-1207): SSDPGKVNHK[Thr1197Ala]PSSEELGGDI

ClinVar aggregate classification (germline): Uncertain significance (1 of 4 stars; one submission).

Conditions:
Developmental and epileptic encephalopathy, 12 (DEE12). Identifiers: MedGen C3150988, MONDO:0013389, OMIM 613722.

Submission:

Labcorp Genetics (formerly Invitae), Labcorp
Classification: Uncertain significance for Developmental and epileptic encephalopathy, 12. Last evaluated: 2019-02-04. Review status: criteria provided, single submitter. Criteria: Invitae Variant Classification Sherloc (09022015). Collection method: clinical testing. Allele origin: germline.
Comment: In summary, the available evidence is currently insufficient to determine the role of this variant in disease. Therefore, it has been classified as a Variant of Uncertain Significance. Algorithms developed to predict the effect of missense changes on protein structure and function (SIFT, PolyPhen-2, Align-GVGD) all suggest that this variant is likely to be tolerated, but these predictions have not been confirmed by published functional studies and their clinical significance is uncertain. This variant has not been reported in the literature in individuals with PLCB1-related conditions. This variant is not present in population databases (ExAC no frequency). This sequence change replaces threonine with alanine at codon 1197 of the PLCB1 protein (p.Thr1197Ala). The threonine residue is weakly conserved and there is a small physicochemical difference between threonine and alanine.